The following is an entry in ClinVar:

NM_007294.4(BRCA1):c.2435A>G (p.Lys812Arg)

Gene: BRCA1 (BRCA1 DNA repair associated; minus strand). Cytogenetic location: 17q21.31.
Variant type: single nucleotide variant.
Coding change: c.2435A>G on transcript NM_007294.4 (MANE Select); coding-DNA position 2435, A replaced by G.
Protein change: p.Lys812Arg; replaces lysine 812 with arginine.
Molecular consequence: missense variant. On other transcripts: intron variant (137).
Genome position (GRCh38, 1-based): chr17:43,093,096, T>C on the plus strand (A>G on the coding strand, the complement: BRCA1 is on the minus strand). VCF-style: chr17-43093096-T-C. GRCh37 (hg19) VCF-style: chr17-41245113-T-C.
Other names: c.2222A>G, p.Lys741Arg (NM_001407571.1, NM_001407853.1, NM_001407894.1 and 9 more transcripts); c.2435A>G, p.Lys812Arg (NM_001407581.1, NM_001407582.1, NM_001407583.1 and 30 more transcripts); c.2432A>G, p.Lys811Arg (NM_001407587.1, NM_001407590.1, NM_001407591.1 and 22 more transcripts); c.2426A>G, p.Lys809Arg (NM_001407646.1, NM_001407647.1); c.2312A>G, p.Lys771Arg (NM_001407648.1, NM_001407664.1, NM_001407665.1 and 19 more transcripts); c.2309A>G, p.Lys770Arg (NM_001407649.1, NM_001407670.1, NM_001407671.1 and 11 more transcripts); c.2357A>G, p.Lys786Arg (NM_001407653.1, NM_001407654.1, NM_001407655.1 and 4 more transcripts); c.2354A>G, p.Lys785Arg (NM_001407659.1, NM_001407660.1, NM_001407661.1 and 1 more transcripts); and 41 more; short protein forms K812R, K765R, K516R, K701R, K742R, K786R, K700R, K723R.
Identifiers: ClinVar variation 845394 (VCV000845394.16), dbSNP rs2053760679, ClinGen allele CA10597139.

ClinVar aggregate classification (germline): Conflicting classifications of pathogenicity. Review status: criteria provided, conflicting classifications (1 of 4 stars). 4 submissions from 4 submitters: Uncertain significance (3); Likely benign (1). Last evaluated 2025-10-07.

Conditions:
Hereditary breast ovarian cancer syndrome. Also called: Breast and ovarian cancer; Hereditary breast and ovarian cancer; Hereditary breast and/or ovarian cancer syndrome; BRCA1- and BRCA2-Associated Hereditary Breast and Ovarian Cancer; Hereditary breast and ovarian cancer syndrome; Hereditary breast and ovarian cancer syndrome (HBOC). Identifiers: Orphanet 145, MedGen C0677776, MeSH D061325, MONDO:0003582. Disease mechanism: loss of function.
Hereditary cancer-predisposing syndrome. Also called: Tumor predisposition; Hereditary neoplastic syndrome; Neoplastic Syndromes, Hereditary; Hereditary Cancer Syndrome. Identifiers: Orphanet 140162, MedGen C0027672, MeSH D009386, MONDO:0015356.

Submissions (4):

Ambry Genetics
Classification: Uncertain significance for Hereditary cancer-predisposing syndrome. Last evaluated: 2025-10-07. Review status: criteria provided, single submitter. Criteria: Ambry Variant Classification Scheme 2023. Collection method: clinical testing. Allele origin: germline.
Comment: The p.K812R variant (also known as c.2435A>G), located in coding exon 9 of the BRCA1 gene, results from an A to G substitution at nucleotide position 2435. The lysine at codon 812 is replaced by arginine, an amino acid with highly similar properties. This amino acid position is not well conserved in available vertebrate species. In addition, the in silico prediction for this alteration is inconclusive. Since supporting evidence is limited at this time, the clinical significance of this alteration remains unclear.

University of Washington Department of Laboratory Medicine, University of Washington
Classification: Likely benign for Hereditary cancer-predisposing syndrome. Last evaluated: 2023-03-23. Review status: criteria provided, single submitter. Criteria: Dines et al. (Genet Med. 2020). Collection method: curation. Allele origin: germline.
Comment: Missense variant in a coldspot region where missense variants are very unlikely to be pathogenic (PMID:31911673).

BRCA1 coldspot (exon 11 using historical exon numbering). Reclassification based on statistical prior probability

Sema4
Classification: Uncertain significance for Hereditary cancer-predisposing syndrome. Last evaluated: 2022-01-02. Review status: criteria provided, single submitter. Criteria: Sema4 Curation Guidelines. Collection method: curation. Allele origin: germline.
Comment: The BRCA1 c.2435A>G (p.K812R) variant has not been reported in the literature to our knowledge. This variant has not been reported in the large and broad cohorts of the Genome Aggregation Database (PMID: 32461654). The variant has been reported in ClinVar (Variation ID 845394). Functional studies have not been performed, and in silico predictions of the variant's effect on protein function are inconclusive. The evidence is insufficient to meet ACMG/AMP criteria for classifying the variant as benign or pathogenic. Thus, the clinical significance of this variant is currently uncertain.

Labcorp Genetics (formerly Invitae), Labcorp
Classification: Uncertain significance for Hereditary breast ovarian cancer syndrome. Last evaluated: 2019-01-13. Review status: criteria provided, single submitter. Criteria: Invitae Variant Classification Sherloc (09022015). Collection method: clinical testing. Allele origin: germline.
Comment: This variant is not present in population databases (ExAC no frequency). This sequence change replaces lysine with arginine at codon 812 of the BRCA1 protein (p.Lys812Arg). The lysine residue is moderately conserved and there is a small physicochemical difference between lysine and arginine. This variant has not been reported in the literature in individuals with BRCA1-related conditions. In summary, the available evidence is currently insufficient to determine the role of this variant in disease. Therefore, it has been classified as a Variant of Uncertain Significance. Algorithms developed to predict the effect of sequence changes on RNA splicing suggest that this variant may create or strengthen a splice site, but this prediction has not been confirmed by published transcriptional studies. Algorithms developed to predict the effect of missense changes on protein structure and function output the following: SIFT: "Tolerated"; PolyPhen-2: "Benign"; Align-GVGD: "Class C0". The arginine amino acid residue is found in multiple mammalian species, suggesting that this missense change does not adversely affect protein function. These predictions have not been confirmed by published functional studies and their clinical significance is uncertain.